The following is an entry in ClinVar:

ClinVar aggregate classification (germline): Uncertain significance. Review status: criteria provided, multiple submitters, no conflicts (2 of 4 stars). 3 submissions from 3 submitters: Uncertain significance (3). Last evaluated 2025-10-02.

Conditions:
Progressive sclerosing poliodystrophy (MTDPS4A). Also called: ALPERS DIFFUSE DEGENERATION OF CEREBRAL GRAY MATTER WITH HEPATIC CIRRHOSIS; Alpers-Huttenlocher Syndrome; ALPERS PROGRESSIVE INFANTILE POLIODYSTROPHY; NEURONAL DEGENERATION OF CHILDHOOD WITH LIVER DISEASE, PROGRESSIVE; Mitochondrial DNA Depletion Syndrome 4A; Alpers-Huttenlocher Syndrome (AHS). Identifiers: Orphanet 726, MedGen C0205710, MONDO:0008758, OMIM 203700.

Allele frequency attached by ClinVar (database versions not stated): gnomAD exomes below 0.00001; TOPMed below 0.00001; gnomAD 0.00002.

Submissions (3):

Labcorp Genetics (formerly Invitae), Labcorp
Classification: Uncertain significance for Progressive sclerosing poliodystrophy. Last evaluated: 2025-10-02. Review status: criteria provided, single submitter. Criteria: Invitae Variant Classification Sherloc (09022015). Collection method: clinical testing. Allele origin: germline.
Comment: This sequence change replaces asparagine, which is neutral and polar, with serine, which is neutral and polar, at codon 630 of the POLG protein (p.Asn630Ser). This variant is present in population databases (rs796052905, gnomAD 0.02%). This variant has not been reported in the literature in individuals affected with POLG-related conditions. ClinVar contains an entry for this variant (Variation ID: 206604). Invitae Evidence Modeling of protein sequence and biophysical properties (such as structural, functional, and spatial information, amino acid conservation, physicochemical variation, residue mobility, and thermodynamic stability) has been performed for this missense variant. However, the output from this modeling did not meet the statistical confidence thresholds required to predict the impact of this variant on POLG protein function. In summary, the available evidence is currently insufficient to determine the role of this variant in disease. Therefore, it has been classified as a Variant of Uncertain Significance.

Athena Diagnostics
Classification: Uncertain significance. Last evaluated: 2020-10-06. Review status: criteria provided, single submitter. Criteria: Athena Diagnostics criteria. Collection method: clinical testing. Allele origin: unknown.

GeneDx
Classification: Uncertain significance. Last evaluated: 2014-06-16. Review status: criteria provided, single submitter. Criteria: GeneDx Variant Classification (06012015). Collection method: clinical testing. Allele origin: germline. Affected: yes.
Comment: p.Asn630Ser (AAC>AGC): c.1889 A>G in exon 10 of the POLG gene (NM_002693.2). The N630S variant has not been published as a mutation, nor has it been reported as a benign polymorphism to our knowledge. It was not observed in approximately 6,500 individuals of European and African American ancestry in the NHLBI Exome Sequencing Project, indicating it is not a common benign variant in these populations. The N630S variant is a conservative amino acid substitution, which is not likely to impact secondary protein structure as these residues share similar properties. However, this substitution occurs at a position that is conserved in mammals, and in silico analysis is inconsistent in its predictions as to whether or not the variant is damaging to the protein structure/function. Additionally, multiple missense mutations in nearby residues have been reported in association with POLG-related disorders, supporting the functional importance of this region of the protein. Therefore, based on the currently available information, it is unclear whether this variant is a pathogenic mutation or a rare benign variant. The variant is found in EPILEPSY panel(s).

NM_002693.3(POLG):c.1889A>G (p.Asn630Ser)

Gene: POLG (DNA polymerase gamma, catalytic subunit; minus strand). Cytogenetic location: 15q26.1.
Variant type: single nucleotide variant.
Coding change: c.1889A>G on transcript NM_002693.3 (MANE Select); coding-DNA position 1889, A replaced by G.
Protein change: p.Asn630Ser; replaces asparagine 630 with serine.
Molecular consequence: missense variant.
Genome position (GRCh38, 1-based): chr15:89,325,510, T>C on the plus strand (A>G on the coding strand, the complement: POLG is on the minus strand). VCF-style: chr15-89325510-T-C. GRCh37 (hg19) VCF-style: chr15-89868741-T-C.
Other names: p.N630S:AAC>AGC; c.1889A>G, p.Asn630Ser (NM_001126131.2); short protein forms N630S.
Identifiers: ClinVar variation 206604 (VCV000206604.6), dbSNP rs796052905, ClinGen allele CA316850.